The following is an entry in ClinVar:

ClinVar aggregate classification (germline): Uncertain significance. Review status: criteria provided, multiple submitters, no conflicts (2 of 4 stars). 2 submissions from 2 submitters: Uncertain significance (2). Last evaluated 2026-09-01.

Conditions:
Inborn genetic diseases. Identifiers: MedGen C0950123, MeSH D030342.

Allele frequency attached by ClinVar (database versions not stated): gnomAD 0.00001; TOPMed 0.00001; ExAC 0.00002.
gnomAD v4.1: 37 of 1,600,328 alleles (0.0023%); highest among the groups gnomAD compares: Admixed American, 0.0034%; no homozygotes.

Submissions (2):

CeGaT Center for Human Genetics Tuebingen
Classification: Uncertain significance. Last evaluated: 2026-09-01. Review status: criteria provided, single submitter. Criteria: CeGaT Center For Human Genetics Tuebingen Variant Classification Criteria Version 2. Collection method: clinical testing. Allele origin: germline. Affected: yes. Observed: 1 variant allele.
Comment: ADGRL1: PP3

Ambry Genetics
Classification: Uncertain significance for Inborn genetic diseases. Last evaluated: 2022-04-25. Review status: criteria provided, single submitter. Criteria: Ambry Variant Classification Scheme 2023. Collection method: clinical testing. Allele origin: germline.

NM_014921.5(ADGRL1):c.4139A>G (p.Tyr1380Cys)

Genes: ADGRL1 (adhesion G protein-coupled receptor L1; minus strand), ADGRL1-AS1 (ADGRL1 antisense RNA 1; plus strand). Cytogenetic location: 19p13.12.
Variant type: single nucleotide variant.
Coding change: c.4139A>G on transcript NM_014921.5 (MANE Select); coding-DNA position 4139, A replaced by G.
Protein change: p.Tyr1380Cys; replaces tyrosine 1380 with cysteine.
Molecular consequence: missense variant.
Genome position (GRCh38, 1-based): chr19:14,151,144, T>C on the plus strand (A>G on the coding strand, the complement: ADGRL1 is on the minus strand). VCF-style: chr19-14151144-T-C. GRCh37 (hg19) VCF-style: chr19-14261956-T-C.
Other names: c.4154A>G, p.Tyr1385Cys (NM_001008701.3); short protein forms Y1380C, Y1385C.
Identifiers: ClinVar variation 3087297 (VCV003087297.2), dbSNP rs758099966, ClinGen allele CA9249851.